The following is an entry in ClinVar:

NM_152703.5(SAMD9L):c.2494dup (p.Thr832fs)

Gene: SAMD9L (sterile alpha motif domain containing 9 like; minus strand). Cytogenetic location: 7q21.2.
Variant type: Duplication.
Coding change: c.2494dup on transcript NM_152703.5 (MANE Select); coding-DNA position 2494, one base duplicated (A; older notation c.2494dupA).
Protein change: p.Thr832fs; shifts the reading frame from threonine 832.
Molecular consequence: frameshift variant.
Genome position (GRCh38, 1-based): chr7:93,133,478, T duplicated on the plus strand (A on the coding strand, the reverse complement: SAMD9L is on the minus strand); the first of 6 consecutive T bases (chr7:93,133,478-93,133,483); duplicating any one gives the same sequence. VCF-style (leftmost placement, unchanged base first): chr7-93133477-G-GT. GRCh37 (hg19) VCF-style: chr7-92762790-G-GT.
Other names: c.2494dup, p.Thr832fs (NM_001303496.3, NM_001303497.3, NM_001303498.3 and 5 more transcripts); short protein forms T832fs.
Identifiers: ClinVar variation 1399556 (VCV001399556.6), dbSNP rs1344505157, ClinGen allele CA645555114.

ClinVar aggregate classification (germline): Uncertain significance (1 of 4 stars; one submission).

Submission:

Labcorp Genetics (formerly Invitae), Labcorp
Classification: Uncertain significance. Last evaluated: 2020-11-04. Review status: criteria provided, single submitter. Criteria: Invitae Variant Classification Sherloc (09022015). Collection method: clinical testing. Allele origin: germline.
Comment: Experimental studies and prediction algorithms are not available or were not evaluated, and the functional significance of this variant is currently unknown. This variant has not been reported in the literature in individuals with SAMD9L-related conditions. This variant is not present in population databases (ExAC no frequency). This sequence change creates a premature translational stop signal (p.Thr832Asnfs*16) in the SAMD9L gene. While this is not anticipated to result in nonsense mediated decay, it is expected to disrupt the last 753 amino acid(s) of the SAMD9L protein. In summary, the available evidence is currently insufficient to determine the role of this variant in disease. Therefore, it has been classified as a Variant of Uncertain Significance.